The following is an entry in ClinVar:

NM_001184.4(ATR):c.2400del (p.Asp801fs)

Gene: ATR (ATR checkpoint kinase; minus strand). Cytogenetic location: 3q23.
Variant type: Deletion.
Coding change: c.2400del on transcript NM_001184.4 (MANE Select); coding-DNA position 2400, one base deleted (A; older notation c.2400delA).
Protein change: p.Asp801fs; shifts the reading frame from aspartic acid 801.
Molecular consequence: frameshift variant.
Genome position (GRCh38, 1-based): chr3:142,553,957, T deleted on the plus strand (A on the coding strand, the reverse complement: ATR is on the minus strand). VCF-style (leftmost placement, unchanged base first): chr3-142553956-CT-C. GRCh37 (hg19) VCF-style: chr3-142272798-CT-C.
Other names: c.2208del, p.Asp737fs (NM_001354579.2); short protein forms D801fs, D737fs.
Identifiers: ClinVar variation 4726298 (VCV004726298.1).

ClinVar aggregate classification (germline): Pathogenic (1 of 4 stars; one submission).

Submission:

Labcorp Genetics (formerly Invitae), Labcorp
Classification: Pathogenic. Last evaluated: 2025-08-29. Review status: criteria provided, single submitter. Criteria: Invitae Variant Classification Sherloc (09022015). Collection method: clinical testing. Allele origin: germline.
Comment: This sequence change creates a premature translational stop signal (p.Asp801Metfs*2) in the ATR gene. It is expected to result in an absent or disrupted protein product. Loss-of-function variants in ATR are known to be pathogenic (PMID: 21228398, 23144622). This variant is present in population databases (rs754786501, gnomAD 0.003%). This variant has not been reported in the literature in individuals affected with ATR-related conditions. Algorithms developed to predict the effect of sequence changes on RNA splicing suggest that this variant may disrupt the consensus splice site. For these reasons, this variant has been classified as Pathogenic.

Literature cited by the submitters: PubMed 21228398; PubMed 23144622.